The following is an entry in ClinVar:

NM_001903.5(CTNNA1):c.1899G>C (p.Arg633Ser)

Gene: CTNNA1 (catenin alpha 1; plus strand). Cytogenetic location: 5q31.2.
Variant type: single nucleotide variant.
Coding change: c.1899G>C on transcript NM_001903.5 (MANE Select); coding-DNA position 1899, G replaced by C.
Protein change: p.Arg633Ser; replaces arginine 633 with serine.
Molecular consequence: missense variant.
Genome position (GRCh38, 1-based): chr5:138,925,407, G>C. VCF-style: chr5-138925407-G-C. GRCh37 (hg19) VCF-style: chr5-138261096-G-C.
Other names: c.789G>C, p.Arg263Ser (NM_001323999.1, NM_001324000.1, NM_001324001.1 and 17 more transcripts); c.450G>C, p.Arg150Ser (NM_001324006.1, NM_001324007.1, NM_001324008.1 and 2 more transcripts); c.1899G>C (NM_001903.2); c.696G>C, p.Arg232Ser (NM_001324011.1); c.546G>C, p.Arg182Ser (NM_001324012.1, NM_001324013.1); c.1899G>C, p.Arg633Ser (NM_001290307.3, NM_001323982.2, NM_001323983.1 and 2 more transcripts); c.1590G>C, p.Arg530Ser (NM_001290309.3); c.1530G>C, p.Arg510Ser (NM_001290310.3); and 1 more; short protein forms R150S, R182S, R232S, R263S, R510S, R530S, R602S, R633S.
Identifiers: ClinVar variation 1009286 (VCV001009286.7), dbSNP rs1253558458, ClinGen allele CA361132472.

ClinVar aggregate classification (germline): Uncertain significance. Review status: criteria provided, multiple submitters, no conflicts (2 of 4 stars). 2 submissions from 2 submitters: Uncertain significance (2). Last evaluated 2025-04-28.

Conditions:
Hereditary cancer-predisposing syndrome. Also called: Tumor predisposition; Hereditary neoplastic syndrome; Neoplastic Syndromes, Hereditary; Hereditary Cancer Syndrome. Identifiers: Orphanet 140162, MedGen C0027672, MeSH D009386, MONDO:0015356.

gnomAD v4.1: 22 of 1,613,476 alleles (0.0014%); highest among the groups gnomAD compares: Non-Finnish European, 0.0019%; no homozygotes.

Submissions (2):

Labcorp Genetics (formerly Invitae), Labcorp
Classification: Uncertain significance. Last evaluated: 2025-04-28. Review status: criteria provided, single submitter. Criteria: Invitae Variant Classification Sherloc (09022015). Collection method: clinical testing. Allele origin: germline.
Comment: This sequence change replaces arginine, which is basic and polar, with serine, which is neutral and polar, at codon 633 of the CTNNA1 protein (p.Arg633Ser). This variant also falls at the last nucleotide of exon 13, which is part of the consensus splice site for this exon. This variant is not present in population databases (gnomAD no frequency). This variant has not been reported in the literature in individuals affected with CTNNA1-related conditions. ClinVar contains an entry for this variant (Variation ID: 1009286). An algorithm developed to predict the effect of missense changes on protein structure and function (PolyPhen-2) suggests that this variant is likely to be tolerated. Variants that disrupt the consensus splice site are a relatively common cause of aberrant splicing (PMID: 17576681, 9536098). In summary, the available evidence is currently insufficient to determine the role of this variant in disease. Therefore, it has been classified as a Variant of Uncertain Significance.

Ambry Genetics
Classification: Uncertain significance for Hereditary cancer-predisposing syndrome. Last evaluated: 2024-03-19. Review status: criteria provided, single submitter. Criteria: Ambry Variant Classification Scheme 2023. Collection method: clinical testing. Allele origin: germline.
Comment: The p.R633S variant (also known as c.1899G>C), located in coding exon 12 of the CTNNA1 gene, results from a G to C substitution at nucleotide position 1899. The amino acid change results in arginine to serine at codon 633, an amino acid with dissimilar properties. This amino acid position is highly conserved in available vertebrate species. In addition, the in silico prediction for this alteration is inconclusive. The evidence for this gene-disease relationship is limited; therefore, the clinical significance of this alteration is unclear.

Literature cited by the submitters: PubMed 17576681 (cited by Labcorp Genetics (formerly Invitae), Labcorp); PubMed 9536098 (cited by Labcorp Genetics (formerly Invitae), Labcorp).